The following is an entry in ClinVar:

NM_018368.4(LMBRD1):c.1084-1G>A

Gene: LMBRD1 (LMBR1 domain containing 1; minus strand). Cytogenetic location: 6q13.
Variant type: single nucleotide variant.
Coding change: c.1084-1G>A on transcript NM_018368.4 (MANE Select); the canonical splice acceptor site of the intron before coding-DNA position 1084, G replaced by A.
Molecular consequence: splice acceptor variant.
Genome position (GRCh38, 1-based): chr6:69,700,870, C>T on the plus strand (G>A on the coding strand, the complement: LMBRD1 is on the minus strand). VCF-style: chr6-69700870-C-T. GRCh37 (hg19) VCF-style: chr6-70410762-C-T.
Other names: c.865-1G>A (NM_001367272.1, NM_001367271.1, NM_001363722.2).
Identifiers: ClinVar variation 2758940 (VCV002758940.3), dbSNP rs2482221622, ClinGen allele CA364664579.
Genomic context (GRCh38, chr6:69,700,870, plus strand): 5'-TGAAGTAAAAATAAAGTACATAATAATAATTGTTATAAGAATATAATCAAGAGGGAAAAC[C>T]TGAAAAAAAAAGATGAAATTAAATTTAACATATAAACTATAAGCACTCTAACAGTCATAT-3'

ClinVar aggregate classification (germline): Likely pathogenic (1 of 4 stars; one submission).

Conditions:
Methylmalonic aciduria and homocystinuria type cblF. Also called: METHYLMALONIC ACIDEMIA AND HOMOCYSTINURIA, cblF TYPE; METHYLMALONIC ACIDURIA DUE TO VITAMIN B12-RELEASE DEFECT; VITAMIN B12 LYSOSOMAL RELEASE DEFECT; VITAMIN B12 STORAGE DISEASE; COBALAMIN F DISEASE; COBALAMIN, DEFECT IN LYSOSOMAL RELEASE OF. Identifiers: Orphanet 79284, MedGen C1848578, MONDO:0010183, OMIM 277380.

Submission:

Labcorp Genetics (formerly Invitae), Labcorp
Classification: Likely pathogenic for Methylmalonic aciduria and homocystinuria type cblF. Last evaluated: 2023-09-15. Review status: criteria provided, single submitter. Criteria: Invitae Variant Classification Sherloc (09022015). Collection method: clinical testing. Allele origin: germline.
Comment: This sequence change affects an acceptor splice site in intron 11 of the LMBRD1 gene. It is expected to disrupt RNA splicing. Variants that disrupt the donor or acceptor splice site typically lead to a loss of protein function (PMID: 16199547), and loss-of-function variants in LMBRD1 are known to be pathogenic (PMID: 19136951, 21303734). This variant is not present in population databases (gnomAD no frequency). This variant has not been reported in the literature in individuals affected with LMBRD1-related conditions. Algorithms developed to predict the effect of sequence changes on RNA splicing suggest that this variant may disrupt the consensus splice site. In summary, the currently available evidence indicates that the variant is pathogenic, but additional data are needed to prove that conclusively. Therefore, this variant has been classified as Likely Pathogenic.

Literature cited by the submitters: PubMed 16199547; PubMed 19136951; PubMed 21303734.